The following is an entry in ClinVar:

ClinVar aggregate classification (germline): Pathogenic/Likely pathogenic. Review status: criteria provided, multiple submitters, no conflicts (2 of 4 stars). 2 submissions from 2 submitters: Pathogenic (1); Likely pathogenic (1). Last evaluated 2024-08-26.

Conditions:
Retinitis pigmentosa 25 (RP25). Identifiers: Orphanet 791, MedGen C1864446, MONDO:0011272, OMIM 602772.

Submissions (2):

Labcorp Genetics (formerly Invitae), Labcorp
Classification: Pathogenic. Last evaluated: 2024-08-26. Review status: criteria provided, single submitter. Criteria: Invitae Variant Classification Sherloc (09022015). Collection method: clinical testing. Allele origin: germline.
Comment: This sequence change creates a premature translational stop signal (p.Tyr1949Thrfs*38) in the EYS gene. It is expected to result in an absent or disrupted protein product. Loss-of-function variants in EYS are known to be pathogenic (PMID: 18836446, 20333770). This variant is not present in population databases (gnomAD no frequency). This variant has not been reported in the literature in individuals affected with EYS-related conditions. For these reasons, this variant has been classified as Pathogenic.

Baylor Genetics
Classification: Likely pathogenic for Retinitis pigmentosa 25. Last evaluated: 2023-01-17. Review status: criteria provided, single submitter. Criteria: ACMG Guidelines, 2015. Collection method: clinical testing. Allele origin: unknown.

Literature cited by the submitters: PubMed 18836446 (cited by Labcorp Genetics (formerly Invitae), Labcorp); PubMed 20333770 (cited by Labcorp Genetics (formerly Invitae), Labcorp).

NM_001142800.2(EYS):c.5841del (p.Tyr1949fs)

Gene: EYS (EGF-like photoreceptor maintenance factor; minus strand). Cytogenetic location: 6q12.
Variant type: Deletion.
Coding change: c.5841del on transcript NM_001142800.2 (MANE Select); coding-DNA position 5841, one base deleted (C; older notation c.5841delC).
Protein change: p.Tyr1949fs; shifts the reading frame from tyrosine 1949.
Molecular consequence: frameshift variant.
Genome position (GRCh38, 1-based): chr6:64,436,260, G deleted on the plus strand (C on the coding strand, the reverse complement: EYS is on the minus strand). VCF-style (leftmost placement, unchanged base first): chr6-64436259-AG-A. GRCh37 (hg19) VCF-style: chr6-65146152-AG-A.
Other names: c.5841del, p.Tyr1949fs (NM_001292009.2); short protein forms Y1949fs.
Identifiers: ClinVar variation 2675304 (VCV002675304.4), dbSNP rs2533217840, ClinGen allele CA2695198233.